The following is an entry in ClinVar:

NM_000302.4(PLOD1):c.294C>T (p.Phe98=)

Gene: PLOD1 (procollagen-lysine,2-oxoglutarate 5-dioxygenase 1; plus strand). Cytogenetic location: 1p36.22.
Variant type: single nucleotide variant.
Coding change: c.294C>T on transcript NM_000302.4 (MANE Select); coding-DNA position 294, C replaced by T.
Protein change: p.Phe98=; no amino-acid change (phenylalanine 98 retained).
Molecular consequence: synonymous variant.
Genome position (GRCh38, 1-based): chr1:11,949,898, C>T. VCF-style: chr1-11949898-C-T. GRCh37 (hg19) VCF-style: chr1-12009955-C-T.
Other names: p.Phe98=; c.435C>T, p.Phe145= (NM_001316320.2).
Identifiers: ClinVar variation 255803 (VCV000255803.70), dbSNP rs7529452, ClinGen allele CA597851.

ClinVar aggregate classification (germline): Benign. Review status: criteria provided, multiple submitters, no conflicts (2 of 4 stars). 14 submissions from 14 submitters: Benign (12). 2 of the submissions do not count toward it. Last evaluated 2026-02-04.

Conditions:
Familial thoracic aortic aneurysm and aortic dissection (TAAD). Also called: Thoracic aortic aneurysms and dissections. Identifiers: Orphanet 91387, MedGen C4707243, MONDO:0019625.
Ehlers-Danlos syndrome, kyphoscoliotic type 1 (EDSKSCL1). Also called: Ehlers-Danlos syndrome, hydroxylysine-deficient; EHLERS-DANLOS SYNDROME, OCULAR-SCOLIOTIC TYPE; PLOD1-Related Kyphoscoliotic Ehlers-Danlos Syndrome; EHLERS-DANLOS SYNDROME, TYPE VIA. Identifiers: Orphanet 1900, MedGen C0268342, MONDO:0016002, OMIM 225400. Disease mechanism: loss of function.

Allele frequency attached by ClinVar (database versions not stated): gnomAD 0.24445 and 0.25425; 1000 Genomes Project 30x 0.25953; 1000 Genomes Project 0.26777; gnomAD exomes 0.31735 and 0.32947; ExAC 0.32813; ESP Exome Variant Server 0.22928; TOPMed 0.23132.
gnomAD v4.1: 501,873 of 1,613,408 alleles (31%); highest among the groups gnomAD compares: South Asian, 43%; 82,689 homozygotes.

Submissions (14):

Labcorp Genetics (formerly Invitae), Labcorp
Classification: Benign for Ehlers-Danlos syndrome, kyphoscoliotic type 1. Last evaluated: 2026-02-04. Review status: criteria provided, single submitter. Criteria: Invitae Variant Classification Sherloc (09022015). Collection method: clinical testing. Allele origin: germline.

Molecular Diagnostic Laboratory for Inherited Cardiovascular Disease, Montreal Heart Institute
Classification: Benign. Last evaluated: 2025-04-09. Review status: criteria provided, single submitter. Criteria: ACMG Guidelines, 2015. Collection method: clinical testing. Allele origin: germline. Affected: no.

Blueprint Genetics
Classification: Benign. Last evaluated: 2024-11-26. Review status: criteria provided, single submitter. Criteria: ACMG Guidelines, 2015. Collection method: clinical testing. Allele origin: germline.

Women's Health and Genetics/Laboratory Corporation of America, LabCorp
Classification: Benign. Last evaluated: 2023-04-04. Review status: criteria provided, single submitter. Criteria: LabCorp Variant Classification Summary - May 2015. Collection method: clinical testing. Allele origin: germline.

Genome-Nilou Lab
Classification: Benign for Ehlers-Danlos syndrome, kyphoscoliotic type 1. Last evaluated: 2021-10-25. Review status: criteria provided, single submitter. Criteria: ACMG Guidelines, 2015. Collection method: clinical testing. Allele origin: germline. Affected: no.

ARUP Laboratories, Molecular Genetics and Genomics, ARUP Laboratories
Classification: Benign for Ehlers-Danlos syndrome, kyphoscoliotic type 1. Last evaluated: 2020-07-30. Review status: criteria provided, single submitter. Criteria: ARUP Molecular Germline Variant Investigation Process. Collection method: clinical testing. Allele origin: germline.

Mayo Clinic Laboratories, Mayo Clinic
Classification: Benign. Last evaluated: 2019-03-13. Review status: criteria provided, single submitter. Criteria: ACMG Guidelines, 2015. Collection method: clinical testing. Allele origin: germline. Observed: 2,477 variant alleles.

Illumina Laboratory Services, Illumina
Classification: Benign for Ehlers-Danlos syndrome, kyphoscoliotic type 1. Last evaluated: 2018-01-13. Review status: criteria provided, single submitter. Criteria: ICSL Variant Classification Criteria 13 December 2019. Collection method: clinical testing. Allele origin: germline.
Comment: This variant was observed in the ICSL laboratory as part of a predisposition screen in an ostensibly healthy population. It had not been previously curated by ICSL or reported in the Human Gene Mutation Database (HGMD: prior to June 1st, 2018), and was therefore a candidate for classification through an automated scoring system. Utilizing variant allele frequency, disease prevalence and penetrance estimates, and inheritance mode, an automated score was calculated to assess if this variant is too frequent to cause the disease. Based on the score and internal cut-off values, a variant classified as benign is not then subjected to further curation. The score for this variant resulted in a classification of benign for this disease.

GeneDx
Classification: Benign. Last evaluated: 2016-09-29. Review status: criteria provided, single submitter. Criteria: GeneDx Variant Classification (06012015). Collection method: clinical testing. Allele origin: germline. Affected: yes.
Comment: This variant is considered likely benign or benign based on one or more of the following criteria: it is a conservative change, it occurs at a poorly conserved position in the protein, it is predicted to be benign by multiple in silico algorithms, and/or has population frequency not consistent with disease.

Ambry Genetics
Classification: Benign for Familial thoracic aortic aneurysm and aortic dissection. Last evaluated: 2015-01-23. Review status: criteria provided, single submitter. Criteria: Ambry Variant Classification Scheme 2023. Collection method: clinical testing. Allele origin: germline.

Breakthrough Genomics
Classification: Benign. Review status: criteria provided, single submitter. Criteria: ACMG Guidelines, 2015. Collection method: not provided. Allele origin: germline. Inheritance: Autosomal recessive inheritance. Affected: yes.

PreventionGenetics, part of Exact Sciences
Classification: Benign. Review status: criteria provided, single submitter. Criteria: ACMG Guidelines, 2015. Collection method: clinical testing. Allele origin: germline.

Genome Diagnostics Laboratory, Amsterdam University Medical Center
Classification: Benign. Review status: no assertion criteria provided. Collection method: clinical testing. Allele origin: germline. Affected: yes. Study: VKGL Data-share Consensus. Not counted in ClinVar's aggregate classification.

Joint Genome Diagnostic Labs from Nijmegen and Maastricht, Radboudumc and MUMC+
Classification: Benign. Review status: no assertion criteria provided. Collection method: clinical testing. Allele origin: germline. Affected: yes. Study: VKGL Data-share Consensus. Not counted in ClinVar's aggregate classification.